The following is an entry in ClinVar:

NM_001267550.2(TTN):c.98959_98960delinsCT (p.Ser32987Leu)

Genes: TTN (titin; minus strand), TTN-AS1 (TTN antisense RNA 1; plus strand). Cytogenetic location: 2q31.2.
Variant type: Indel.
Coding change: c.98959_98960delinsCT on transcript NM_001267550.2 (MANE Select); coding-DNA positions 98959 to 98960, TC replaced by CT.
Protein change: p.Ser32987Leu; replaces serine 32987 with leucine.
Molecular consequence: missense variant. On other transcripts: non-coding transcript variant (1).
Genome position (GRCh38, 1-based): chr2:178,538,975-178,538,976, GA replaced by AG on the plus strand (TC replaced by CT on the coding strand, the reverse complement: TTN is on the minus strand). VCF-style: chr2-178538975-GA-AG. GRCh37 (hg19) VCF-style: chr2-179403702-GA-AG.
Other names: c.94036_94037delinsCT, p.Ser31346Leu (NM_001256850.1); c.71764_71765delinsCT, p.Ser23922Leu (NM_003319.4); c.91255_91256delinsCT, p.Ser30419Leu (NM_133378.4); c.72139_72140delinsCT, p.Ser24047Leu (NM_133432.3); c.72340_72341delinsCT, p.Ser24114Leu (NM_133437.4); c.71764_71765delTCinsCT (NM_003319.4); c.98959_98960delTCinsCT (NM_001267550.2); short protein forms S23922L, S32987L, S24047L, S24114L, S30419L, S31346L.
Identifiers: ClinVar variation 178983 (VCV000178983.31), dbSNP rs727504588, ClinGen allele CA183431.

ClinVar aggregate classification (germline): Conflicting classifications of pathogenicity. Review status: criteria provided, conflicting classifications (1 of 4 stars). 10 submissions from 10 submitters: Uncertain significance (7); Likely benign (3). Last evaluated 2026-05-27.

Conditions:
TTN-related disorder. Also called: TTN-related condition; TTN-related disease; TTN-related disorders.
Dilated cardiomyopathy 1G (CMD1G). Identifiers: Orphanet 154, MedGen C1858763, MONDO:0011400, OMIM 604145.
Autosomal recessive limb-girdle muscular dystrophy type 2J (LGMDR10). Also called: Limb-girdle muscular dystrophy, type 2J; MUSCULAR DYSTROPHY, LIMB-GIRDLE, AUTOSOMAL RECESSIVE 10. Identifiers: Orphanet 140922, MedGen C1837342, MONDO:0012127, OMIM 608807.
Cardiovascular phenotype. Identifiers: MedGen CN230736.
Tibial muscular dystrophy (TMD). Also called: Udd Distal Myopathy – Tibial Muscular Dystrophy; UDD MYOPATHY; Tibial muscular dystrophy, tardive. Identifiers: Orphanet 609, MedGen C1838244, MONDO:0010870, OMIM 600334.
Myopathy, myofibrillar, 9, with early respiratory failure (MFM9). Also called: Hereditary myopathy with early respiratory failure; EDSTROM MYOPATHY; MYOPATHY, PROXIMAL, WITH EARLY RESPIRATORY MUSCLE INVOLVEMENT; Myopathy, distal, with early respiratory failure, autosomal dominant. Identifiers: Orphanet 178464, Orphanet 34521, MedGen C1863599, MONDO:0011362, OMIM 603689.
Hypertrophic cardiomyopathy 9. Also called: Familial hypertrophic cardiomyopathy 9. Identifiers: MedGen C1861065, MONDO:0013412, OMIM 613765.
Early-onset myopathy with fatal cardiomyopathy (CMYO5). Also called: CONGENITAL MYOPATHY 5 WITH CARDIOMYOPATHY; Salih Myopathy. Identifiers: Orphanet 289377, MedGen C2673677, MONDO:0012714, OMIM 611705. Disease mechanism: loss of function.

Submissions (10):

PreventionGenetics, part of Exact Sciences
Classification: Uncertain significance for TTN-related condition. Last evaluated: 2026-05-27. Review status: criteria provided, single submitter. Criteria: ACMG Guidelines, 2015. Collection method: clinical testing. Allele origin: germline.
Comment: The TTN c.98959_98960delinsCT variant is predicted to result in an in-frame deletion and insertion. This variant has been reported in an individual with dilated cardiomyopathy (referred to as p.Ser31346Leu, Wasielewski et al. 2014. PubMed ID: 25332820) and an individual with hypertrophic cardiomyopathy (referred to as p.Ser30419Leu, Table S2, Burstein et al. 2021. PubMed ID: 32746448). This variant was also observed in an individual with severe cardiac defects; however, a sibling that was also affected did not carry the variant (aka p.Ser30419Leu, Family 7, Herkert et al. 2020. PubMed ID: 32480058). This variant is reported in 0.017% of alleles in individuals of European (non-Finnish) descent in gnomAD as a multi-nucleotide variant. At this time, the clinical significance of this variant is uncertain due to the absence of conclusive functional and genetic evidence.

Molecular Diagnostic Laboratory for Inherited Cardiovascular Disease, Montreal Heart Institute
Classification: Likely benign. Last evaluated: 2026-03-27. Review status: criteria provided, single submitter. Criteria: ACMG Guidelines, 2015. Collection method: clinical testing. Allele origin: germline. Affected: no.
Comment: BP1

Women's Health and Genetics/Laboratory Corporation of America, LabCorp
Classification: Uncertain significance. Last evaluated: 2025-12-29. Review status: criteria provided, single submitter. Criteria: LabCorp Variant Classification Summary - May 2015. Collection method: clinical testing. Allele origin: germline.
Comment: Variant summary: TTN c.91255_91256delinsCT (p.Ser30419Leu) results in a non-conservative amino acid change located in the A-band region of the encoded protein sequence. Algorithms developed to predict the effect of missense changes on protein structure and function are either unavailable or do not agree on the potential impact of this missense change. The variant was absent in 279158 control chromosomes. The available data on variant occurrences in the general population are insufficient to allow any conclusion about variant significance. c.91255_91256delinsCT has been reported in the literature in individuals affected with dilated cardiomyopathy (Wasielewski_2014), hypertrophic cardiomyopathy (Burstein_2021), and pediatric-onset cardiomyopathy (Herkert_2020), however, co-segregation and co-occurrence data suggested the variant was not causative of disease in all cases. These reports do not provide unequivocal conclusions about association of the variant with TTN-related disorders. To our knowledge, no experimental evidence demonstrating an impact on protein function has been reported. The following publications have been ascertained in the context of this evaluation (PMID: 37725123, 32746448, 32480058, 25332820, 28232737). ClinVar contains an entry for this variant (Variation ID: 178983). Based on the evidence outlined above, the variant was classified as uncertain significance.

Revvity Omics, Revvity
Classification: Uncertain significance. Last evaluated: 2023-03-27. Review status: criteria provided, single submitter. Criteria: ACMG Guidelines, 2015. Collection method: clinical testing. Allele origin: germline.

Ambry Genetics
Classification: Likely benign for Cardiovascular phenotype. Last evaluated: 2023-02-01. Review status: criteria provided, single submitter. Criteria: Ambry Variant Classification Scheme 2023. Collection method: clinical testing. Allele origin: germline.

GeneDx
Classification: Likely benign. Last evaluated: 2021-05-20. Review status: criteria provided, single submitter. Criteria: GeneDx Variant Classification Process June 2021. Collection method: clinical testing. Allele origin: germline. Affected: yes.
Comment: Observed in 21/125,412 (0.01%) alleles from individuals of European background (Lek et al., 2016); This variant is associated with the following publications: (PMID: 25332820)

Mayo Clinic Laboratories, Mayo Clinic
Classification: Uncertain significance. Last evaluated: 2019-11-18. Review status: criteria provided, single submitter. Criteria: ACMG Guidelines, 2015. Collection method: clinical testing. Allele origin: germline. Observed: 1 variant allele.

Fulgent Genetics
Classification: Uncertain significance for Tibial muscular dystrophy; Myopathy, myofibrillar, 9, with early respiratory failure; Dilated cardiomyopathy 1G; Autosomal recessive limb-girdle muscular dystrophy type 2J; Early-onset myopathy with fatal cardiomyopathy; Hypertrophic cardiomyopathy 9. Last evaluated: 2018-10-31. Review status: criteria provided, single submitter. Criteria: ACMG Guidelines, 2015. Collection method: clinical testing. Allele origin: unknown.

Labcorp Genetics (formerly Invitae), Labcorp
Classification: Uncertain significance for Dilated cardiomyopathy 1G; Autosomal recessive limb-girdle muscular dystrophy type 2J. Last evaluated: 2017-12-29. Review status: criteria provided, single submitter. Criteria: Invitae Variant Classification Sherloc (09022015). Collection method: clinical testing. Allele origin: germline.

Laboratory for Molecular Medicine, Mass General Brigham Personalized Medicine
Classification: Uncertain significance. Last evaluated: 2014-01-21. Review status: criteria provided, single submitter. Criteria: LMM Criteria. Collection method: clinical testing. Allele origin: germline. Observed: 2 variant alleles.
Comment: The Ser30419Leu variant in TTN has now been identified by our laboratory in 1 in fant with DCM and 1 adult with HCM. It was not identified in large population st udies. Computational analyses (biochemical amino acid properties, conservation, AlignGVGD, PolyPhen2, and SIFT) do not provide strong support for or against an impact to the protein. Additional information is needed to fully assess the clin ical significance of the Ser30419Leu variant.

Literature cited by the submitters: PubMed 25332820 (cited by Women's Health and Genetics/Laboratory Corporation of America, LabCorp and Ambry Genetics); PubMed 32746448 (cited by Women's Health and Genetics/Laboratory Corporation of America, LabCorp); PubMed 32480058 (cited by Women's Health and Genetics/Laboratory Corporation of America, LabCorp); PubMed 37725123 (cited by Women's Health and Genetics/Laboratory Corporation of America, LabCorp); PubMed 28232737 (cited by Women's Health and Genetics/Laboratory Corporation of America, LabCorp).